The following is an entry in ClinVar:

NM_001042492.3(NF1):c.89C>T (p.Thr30Ile)

Gene: NF1 (neurofibromin 1; plus strand). Cytogenetic location: 17q11.2.
Variant type: single nucleotide variant.
Coding change: c.89C>T on transcript NM_001042492.3 (MANE Select); coding-DNA position 89, C replaced by T.
Protein change: p.Thr30Ile; replaces threonine 30 with isoleucine.
Molecular consequence: missense variant.
Genome position (GRCh38, 1-based): chr17:31,156,011, C>T. VCF-style: chr17-31156011-C-T. GRCh37 (hg19) VCF-style: chr17-29483029-C-T.
Other names: c.89C>T, p.Thr30Ile (NM_000267.4, NM_001128147.3); short protein forms T30I.
Identifiers: ClinVar variation 3404912 (VCV003404912.1).
Genomic context (GRCh38, chr17:31,156,011, plus strand): 5'-GTTAACGTGTTTTTTTTTTCTTTTTTTTTCAGCTTCCAATAAAAACAGGACAGCAGAACA[C>T]ACATACCAAAGTCAGTACTGAGCACAACAAGGAATGTCTAATCAATATTTCCAAATACAA-3'
Protein context (NP_001035957.1, residues 20-40): QLPIKTGQQN[Thr30Ile]HTKVSTEHNK

ClinVar aggregate classification (germline): Uncertain significance (1 of 4 stars; one submission).

Conditions:
Hereditary cancer-predisposing syndrome. Also called: Hereditary Cancer Syndrome; Tumor predisposition; Hereditary neoplastic syndrome; Neoplastic Syndromes, Hereditary. Identifiers: Orphanet 140162, MedGen C0027672, MeSH D009386, MONDO:0015356.
Cardiovascular phenotype. Identifiers: MedGen CN230736.

gnomAD v4.1: 1 of 1,612,434 alleles (0.000062%); highest among the groups gnomAD compares: South Asian, 0.0011%; no homozygotes.

Submission:

Ambry Genetics
Classification: Uncertain significance for Cardiovascular phenotype; Hereditary cancer-predisposing syndrome. Last evaluated: 2024-12-03. Review status: criteria provided, single submitter. Criteria: Ambry Variant Classification Scheme 2023. Collection method: clinical testing. Allele origin: germline.
Comment: The p.T30I variant (also known as c.89C>T), located in coding exon 2 of the NF1 gene, results from a C to T substitution at nucleotide position 89. The threonine at codon 30 is replaced by isoleucine, an amino acid with similar properties. This amino acid position is highly conserved in available vertebrate species. In addition, the in silico prediction for this alteration is inconclusive. Based on the available evidence, the clinical significance of this variant remains unclear.